The following is an entry in ClinVar:

NM_000548.5(TSC2):c.3915G>C (p.Pro1305=)

Gene: TSC2 (TSC complex subunit 2; plus strand). Cytogenetic location: 16p13.3.
Variant type: single nucleotide variant.
Coding change: c.3915G>C on transcript NM_000548.5 (MANE Select); coding-DNA position 3915, G replaced by C.
Protein change: p.Pro1305=; no amino-acid change (proline 1305 retained).
Molecular consequence: synonymous variant.
Genome position (GRCh38, 1-based): chr16:2,083,726, G>C. VCF-style: chr16-2083726-G-C. GRCh37 (hg19) VCF-style: chr16-2133727-G-C.
Other names: c.3714G>C, p.Pro1238= (NM_001077183.3); c.3846G>C, p.Pro1282= (NM_001114382.3); c.3606G>C, p.Pro1202= (NM_001318827.2); c.3570G>C, p.Pro1190= (NM_001318829.2); c.3183G>C, p.Pro1061= (NM_001318831.2); c.3747G>C, p.Pro1249= (NM_001318832.2); c.3717G>C, p.Pro1239= (NM_001363528.2); c.3783G>C, p.Pro1261= (NM_001370404.1); and 1 more.
Identifiers: ClinVar variation 1529611 (VCV001529611.18), dbSNP rs11551373, ClinGen allele CA492956189.

ClinVar aggregate classification (germline): Benign/Likely benign. Review status: criteria provided, multiple submitters, no conflicts (2 of 4 stars). 6 submissions from 6 submitters: Benign (1); Likely benign (5). Last evaluated 2025-12-01.

Conditions:
Tuberous sclerosis syndrome (TSC). Also called: Tuberous Sclerosis Complex; Tuberous sclerosis. Identifiers: Orphanet 805, MedGen C0041341, MONDO:0001734.
Tuberous sclerosis 2 (TSC2). Identifiers: Orphanet 805, MedGen C1860707, MONDO:0013199, OMIM 613254.
Hereditary cancer-predisposing syndrome. Also called: Tumor predisposition; Neoplastic Syndromes, Hereditary; Hereditary Cancer Syndrome; Hereditary neoplastic syndrome. Identifiers: Orphanet 140162, MedGen C0027672, MeSH D009386, MONDO:0015356.

gnomAD v4.1: 2 of 1,598,596 alleles (0.00013%); highest among the groups gnomAD compares: Non-Finnish European, 0.00017%; no homozygotes.

Submissions (6):

CeGaT Center for Human Genetics Tuebingen
Classification: Likely benign. Last evaluated: 2025-12-01. Review status: criteria provided, single submitter. Criteria: CeGaT Center For Human Genetics Tuebingen Variant Classification Criteria Version 2. Collection method: clinical testing. Allele origin: germline. Affected: yes. Observed: 1 variant allele.
Comment: TSC2: BP4, BP7

Myriad Genetics, Inc.
Classification: Benign for Tuberous sclerosis 2. Last evaluated: 2025-06-02. Review status: criteria provided, single submitter. Criteria: Myriad Autosomal Dominant, Autosomal Recessive and X-Linked Classification Criteria (2023). Collection method: clinical testing. Allele origin: unknown.
Comment: This variant is considered benign. This variant is a silent/synonymous amino acid change and it is not expected to impact splicing.

Labcorp Genetics (formerly Invitae), Labcorp
Classification: Likely benign for Tuberous sclerosis 2. Last evaluated: 2024-07-08. Review status: criteria provided, single submitter. Criteria: Invitae Variant Classification Sherloc (09022015). Collection method: clinical testing. Allele origin: germline.

All of Us Research Program, National Institutes of Health
Classification: Likely benign for Tuberous sclerosis syndrome. Last evaluated: 2024-04-25. Review status: criteria provided, single submitter. Criteria: ACMG Guidelines, 2015. Collection method: clinical testing. Allele origin: germline. Inheritance: Autosomal dominant inheritance. Observed: 1 variant allele, 1 heterozygote.
Comment: This study involves interpretation of variants in research participants for the purpose of population health screening. Participant phenotype was not available at the time of variant classification. Additional details can be found in publication PMID: 35346344, PMCID: PMC8962531

Ambry Genetics
Classification: Likely benign for Hereditary cancer-predisposing syndrome. Last evaluated: 2022-06-28. Review status: criteria provided, single submitter. Criteria: Ambry Variant Classification Scheme 2023. Collection method: clinical testing. Allele origin: germline.

Sema4
Classification: Likely benign for Hereditary cancer-predisposing syndrome. Last evaluated: 2021-10-15. Review status: criteria provided, single submitter. Criteria: Sema4 Curation Guidelines. Collection method: curation. Allele origin: germline.